The following is an entry in ClinVar:

ClinVar aggregate classification (germline): Likely pathogenic (1 of 4 stars; one submission).

Submission:

GeneDx
Classification: Likely pathogenic. Last evaluated: 2026-10-01. Review status: criteria provided, single submitter. Criteria: GeneDx Variant Classification Process June 2021. Collection method: clinical testing. Allele origin: germline.
Comment: Not observed at significant frequency in large population cohorts (gnomAD); In silico analysis supports that this missense variant has a deleterious effect on protein structure/function; This variant is associated with the following publications: (PMID: 30088137, 21652629, 17224651)

NM_003722.5(TP63):c.796C>G (p.Arg266Gly)

Gene: TP63 (tumor protein p63; plus strand). Cytogenetic location: 3q28.
Variant type: single nucleotide variant.
Coding change: c.796C>G on transcript NM_003722.5 (MANE Select); coding-DNA position 796, C replaced by G.
Protein change: p.Arg266Gly; replaces arginine 266 with glycine.
Molecular consequence: missense variant.
Genome position (GRCh38, 1-based): chr3:189,866,711, C>G. VCF-style: chr3-189866711-C-G. GRCh37 (hg19) VCF-style: chr3-189584500-C-G.
Other names: c.514C>G, p.Arg172Gly (NM_001329145.2, NM_001329149.2, NM_001114980.2 and 2 more transcripts); c.259C>G, p.Arg87Gly (NM_001329146.2, NM_001329150.2); c.796C>G, p.Arg266Gly (NM_001329148.2, NM_001114978.2, NM_001114979.2 and 1 more transcripts); c.790C>G, p.Arg264Gly (NM_001329964.2); short protein forms R172G, R264G, R266G, R87G.
Identifiers: ClinVar variation 3602938 (VCV003602938.2).
Genomic context (GRCh38, chr3:189,866,711, plus strand): 5'-ACTAACTCTTTTATTGTTTTCTGCTCTGCAGGACAGATTGCCCCTCCTAGTCATTTGATT[C>G]GAGTAGAGGGGAACAGCCATGCCCAGTATGTAGAAGATCCCATCACAGGAAGACAGAGTG-3'
Protein context (NP_003713.3, residues 256-276): GQIAPPSHLI[Arg266Gly]VEGNSHAQYV